The following is an entry in ClinVar:

ClinVar aggregate classification (germline): Uncertain significance (1 of 4 stars; one submission).

Conditions:
Cardiovascular phenotype. Identifiers: MedGen CN230736.

Submission:

Ambry Genetics
Classification: Uncertain significance for Cardiovascular phenotype. Last evaluated: 2026-07-09. Review status: criteria provided, single submitter. Criteria: Ambry Variant Classification Scheme 2023. Collection method: clinical testing. Allele origin: germline.
Comment: The p.P1339S variant (also known as c.4015C>T), located in coding exon 33 of the ANK2 gene, results from a C to T substitution at nucleotide position 4015. The proline at codon 1339 is replaced by serine, an amino acid with similar properties. This amino acid position is conserved. In addition, the in silico prediction for this alteration is inconclusive. Based on the available evidence, the clinical significance of this variant remains unclear.

NM_001148.6(ANK2):c.4015C>T (p.Pro1339Ser)

Gene: ANK2 (ankyrin 2; plus strand). Cytogenetic location: 4q26.
Variant type: single nucleotide variant.
Coding change: c.4015C>T on transcript NM_001148.6 (MANE Select); coding-DNA position 4015, C replaced by T.
Protein change: p.Pro1339Ser; replaces proline 1339 with serine.
Molecular consequence: missense variant.
Genome position (GRCh38, 1-based): chr4:113,341,809, C>T. VCF-style: chr4-113341809-C-T. GRCh37 (hg19) VCF-style: chr4-114262965-C-T.
Other names: c.4051C>T, p.Pro1351Ser (NM_001354232.2); c.4012C>T, p.Pro1338Ser (NM_001354235.2, NM_001354246.2, NM_001354265.2); c.3913C>T, p.Pro1305Ser (NM_001354236.2); c.4093C>T, p.Pro1365Ser (NM_001354237.2); c.3985C>T, p.Pro1329Ser (NM_001354239.2, NM_001354252.2); c.4060C>T, p.Pro1354Ser (NM_001354240.2, NM_001354241.2, NM_001386144.1); c.4057C>T, p.Pro1353Ser (NM_001354242.2, NM_001354231.2); c.3952C>T, p.Pro1318Ser (NM_001354243.2, NM_001386143.1, NM_001354255.2); and 31 more; short protein forms P1211S, P1239S, P1244S, P1264S, P1268S, P1287S, P1305S, P1317S.
Identifiers: ClinVar variation 5021939 (VCV005021939.1).